The following is an entry in ClinVar:

ClinVar aggregate classification (germline): Conflicting classifications of pathogenicity. Review status: criteria provided, conflicting classifications (1 of 4 stars). 3 submissions from 3 submitters: Uncertain significance (2); Likely benign (1). Last evaluated 2025-12-01.

Conditions:
Neurodevelopmental disorder with or without hyperkinetic movements and seizures, autosomal dominant. Also called: Intellectual disability, autosomal dominant 8. Identifiers: MedGen C3280282, MONDO:0013655, OMIM 614254.

Allele frequency attached by ClinVar (database versions not stated): ExAC 0.00001; gnomAD exomes 0.00002 and 0.00010; TOPMed 0.00002; gnomAD 0.00003.
gnomAD v4.1: 148 of 1,612,120 alleles (0.0092%); highest among the groups gnomAD compares: Non-Finnish European, 0.012%; no homozygotes.

Submissions (3):

Labcorp Genetics (formerly Invitae), Labcorp
Classification: Uncertain significance for Neurodevelopmental disorder with or without hyperkinetic movements and seizures, autosomal dominant. Last evaluated: 2025-12-01. Review status: criteria provided, single submitter. Criteria: Invitae Variant Classification Sherloc (09022015). Collection method: clinical testing. Allele origin: germline.
Comment: This sequence change falls in intron 18 of the GRIN1 gene. It does not directly change the encoded amino acid sequence of the GRIN1 protein. It affects a nucleotide within the consensus splice site. This variant is present in population databases (rs200395927, gnomAD 0.004%). This variant has not been reported in the literature in individuals affected with GRIN1-related conditions. ClinVar contains an entry for this variant (Variation ID: 388106). Variants that disrupt the consensus splice site are a relatively common cause of aberrant splicing (PMID: 17576681, 9536098). Algorithms developed to predict the effect of sequence changes on RNA splicing suggest that this variant is not likely to affect RNA splicing. In summary, the available evidence is currently insufficient to determine the role of this variant in disease. Therefore, it has been classified as a Variant of Uncertain Significance.

Mayo Clinic Laboratories, Mayo Clinic
Classification: Uncertain significance. Last evaluated: 2020-05-01. Review status: criteria provided, single submitter. Criteria: ACMG Guidelines, 2015. Collection method: clinical testing. Allele origin: germline. Observed: 1 variant allele.

GeneDx
Classification: Likely benign. Last evaluated: 2018-10-11. Review status: criteria provided, single submitter. Criteria: GeneDx Variant Classification Process June 2021. Collection method: clinical testing. Allele origin: germline. Affected: yes.

Literature cited by the submitters: PubMed 17576681 (cited by Labcorp Genetics (formerly Invitae), Labcorp); PubMed 9536098 (cited by Labcorp Genetics (formerly Invitae), Labcorp).

NM_007327.4(GRIN1):c.2589+6G>T

Gene: GRIN1 (glutamate ionotropic receptor NMDA type subunit 1; plus strand). Cytogenetic location: 9q34.3.
Variant type: single nucleotide variant.
Coding change: c.2589+6G>T on transcript NM_007327.4 (MANE Select); 6 bases into the intron after coding-DNA position 2589, G replaced by T.
Molecular consequence: intron variant.
Genome position (GRCh38, 1-based): chr9:137,163,910, G>T. VCF-style: chr9-137163910-G-T. GRCh37 (hg19) VCF-style: chr9-140058362-G-T.
Other names: c.2652+6G>T (NM_001185090.2, NM_001185091.2); c.2589+6G>T (NM_021569.4, NM_000832.7).
Identifiers: ClinVar variation 388106 (VCV000388106.15), dbSNP rs200395927, ClinGen allele CA5361162.
Genomic context (GRCh38, chr9:137,163,910, plus strand): 5'-GAAGCAGATGCAGCTGGCCTTTGCCGCCGTTAACGTGTGGCGGAAGAACCTGCAGGTAGG[G>T]CAGGCCACCCTCCGAGGCCTGGTGCCCAGGGCCCGGCCTGGCCACGGCCCTCCTCCATCC-3'